The following is an entry in ClinVar:

NM_001099274.3(TINF2):c.725A>G (p.Gln242Arg)

Gene: TINF2 (TERF1 interacting nuclear factor 2; minus strand). Cytogenetic location: 14q12.
Variant type: single nucleotide variant.
Coding change: c.725A>G on transcript NM_001099274.3 (MANE Select); coding-DNA position 725, A replaced by G.
Protein change: p.Gln242Arg; replaces glutamine 242 with arginine.
Molecular consequence: missense variant.
Genome position (GRCh38, 1-based): chr14:24,240,755, T>C on the plus strand (A>G on the coding strand, the complement: TINF2 is on the minus strand). VCF-style: chr14-24240755-T-C. GRCh37 (hg19) VCF-style: chr14-24709961-T-C.
Other names: c.620A>G, p.Gln207Arg (NM_001363668.2); c.725A>G, p.Gln242Arg (NM_012461.3); short protein forms Q242R, Q207R.
Identifiers: ClinVar variation 5008023 (VCV005008023.1).

ClinVar aggregate classification (germline): Uncertain significance (1 of 4 stars; one submission).

Submission:

GeneDx
Classification: Uncertain significance. Last evaluated: 2026-03-11. Review status: criteria provided, single submitter. Criteria: GeneDx Variant Classification Process June 2021. Collection method: clinical testing. Allele origin: germline.
Comment: Not observed at significant frequency in large population cohorts (gnomAD); In silico analysis suggests that this missense variant does not alter protein structure/function; Has not been previously published as pathogenic or benign to our knowledge